The following is an entry in ClinVar:

ClinVar aggregate classification (germline): Uncertain significance. Review status: criteria provided, multiple submitters, no conflicts (2 of 4 stars). 4 submissions from 4 submitters: Uncertain significance (4). Last evaluated 2024-02-25.

Conditions:
Brain small vessel disease 1 with or without ocular anomalies (BSVD1). Also called: PORENCEPHALY, TYPE 1, AUTOSOMAL DOMINANT; BRAIN SMALL VESSEL DISEASE WITH HEMORRHAGE; GOULD SYNDROME 1; Brain small vessel disease with or without ocular anomalies. Identifiers: Orphanet 2940, Orphanet 36383, Orphanet 99810, MedGen C4755307, MONDO:0008289, OMIM 175780.
Retinal arterial tortuosity. Also called: RETINAL HEMORRHAGE WITH VASCULAR TORTUOSITY; Retinal arteries, tortuosity of. Identifiers: Orphanet 75326, MedGen C0423401, MONDO:0008373, OMIM 180000, HP:0000631.
Microangiopathy and leukoencephalopathy, pontine, autosomal dominant. Also called: Pontine autosomal dominant microangiopathy with leukoencephalopathy; DEMENTIA, HEREDITARY MULTI-INFARCT, SWEDISH TYPE. Identifiers: Orphanet 477749, MedGen C5231411, MONDO:0032814, OMIM 618564.
Autosomal dominant familial hematuria-retinal arteriolar tortuosity-contractures syndrome. Also called: Angiopathy, hereditary, with nephropathy, aneurysms, and muscle cramps; Hereditary Angiopathy with Nephropathy, Aneurysms, and Muscle Cramps (HANAC) Syndrome. Identifiers: Orphanet 73229, MedGen C2673195, MONDO:0012726, OMIM 611773.
Hemorrhage, intracerebral, susceptibility to (ICH). Also called: Stroke, hemorrhagic, susceptibility to. Identifiers: MedGen C3281105, MONDO:0100533, OMIM 614519.

Allele frequency attached by ClinVar (database versions not stated): TOPMed below 0.00001; gnomAD exomes 0.00001 and 0.00002; ExAC 0.00002.
gnomAD v4.1: 4 of 1,614,084 alleles (0.00025%); highest among the groups gnomAD compares: Admixed American, 0.005%; no homozygotes.

Submissions (4):

Fulgent Genetics
Classification: Uncertain significance for Brain small vessel disease 1 with or without ocular anomalies; Retinal arterial tortuosity; Autosomal dominant familial hematuria-retinal arteriolar tortuosity-contractures syndrome; Hemorrhage, intracerebral, susceptibility to; Microangiopathy and leukoencephalopathy, pontine, autosomal dominant. Last evaluated: 2024-02-25. Review status: criteria provided, single submitter. Criteria: ACMG Guidelines, 2015. Collection method: clinical testing. Allele origin: germline.

Labcorp Genetics (formerly Invitae), Labcorp
Classification: Uncertain significance. Last evaluated: 2024-02-24. Review status: criteria provided, single submitter. Criteria: Invitae Variant Classification Sherloc (09022015). Collection method: clinical testing. Allele origin: germline.
Comment: This sequence change replaces proline, which is neutral and non-polar, with serine, which is neutral and polar, at codon 178 of the COL4A1 protein (p.Pro178Ser). This variant is present in population databases (rs777678272, gnomAD 0.009%). This variant has not been reported in the literature in individuals affected with COL4A1-related conditions. ClinVar contains an entry for this variant (Variation ID: 1317014). Advanced modeling of protein sequence and biophysical properties (such as structural, functional, and spatial information, amino acid conservation, physicochemical variation, residue mobility, and thermodynamic stability) performed at Invitae indicates that this missense variant is not expected to disrupt COL4A1 protein function with a negative predictive value of 95%. In summary, the available evidence is currently insufficient to determine the role of this variant in disease. Therefore, it has been classified as a Variant of Uncertain Significance.

GeneDx
Classification: Uncertain significance. Last evaluated: 2023-06-05. Review status: criteria provided, single submitter. Criteria: GeneDx Variant Classification Process June 2021. Collection method: clinical testing. Allele origin: germline. Affected: yes.
Comment: Has not been previously published as pathogenic or benign to our knowledge; Occurs in the triple helical domain at the Y position in the canonical Gly-X-Y repeat; although this variant may have an effect on normal protein folding and function, missense substitution at the Y position is not a common mechanism of disease; In silico analysis supports that this missense variant has a deleterious effect on protein structure/function

MGZ Medical Genetics Center
Classification: Uncertain significance for Autosomal dominant familial hematuria-retinal arteriolar tortuosity-contractures syndrome. Last evaluated: 2022-03-14. Review status: criteria provided, single submitter. Criteria: ACMG Guidelines, 2015. Collection method: clinical testing. Allele origin: germline. Affected: yes. Observed: 1 variant allele.
Comment: ACMG criteria applied: PM2_SUP, PP3

NM_001845.6(COL4A1):c.532C>T (p.Pro178Ser)

Gene: COL4A1 (collagen type IV alpha 1 chain; minus strand). Cytogenetic location: 13q34.
Variant type: single nucleotide variant.
Coding change: c.532C>T on transcript NM_001845.6 (MANE Select); coding-DNA position 532, C replaced by T.
Protein change: p.Pro178Ser; replaces proline 178 with serine.
Molecular consequence: missense variant.
Genome position (GRCh38, 1-based): chr13:110,210,149, G>A on the plus strand (C>T on the coding strand, the complement: COL4A1 is on the minus strand). VCF-style: chr13-110210149-G-A. GRCh37 (hg19) VCF-style: chr13-110862496-G-A.
Other names: c.532C>T, p.Pro178Ser (NM_001303110.2); short protein forms P178S.
Identifiers: ClinVar variation 1317014 (VCV001317014.12), dbSNP rs777678272, ClinGen allele CA7048466.